The following is an entry in ClinVar:

ClinVar aggregate classification (germline): Uncertain significance (1 of 4 stars; one submission).

Conditions:
Global developmental delay (DD). Also called: Cognitive delay. Identifiers: MedGen C0557874, HP:0001263. Disease mechanism: loss of function.

Submission:

Duke University Health System Sequencing Clinic, Duke University Health System
Classification: Uncertain significance for Global developmental delay. Last evaluated: 2022-09-27. Review status: criteria provided, single submitter. Criteria: ACMG Guidelines, 2015. Collection method: research. Allele origin: de novo. Affected: yes. Observed: 1 heterozygote.
Comment: VOUS in a GUS

NM_181675.4(PPP2R2B):c.1280T>C (p.Ile427Thr)

Genes: CTB-99A3.1 (uncharacterized CTB-99A3.1; plus strand), PPP2R2B (protein phosphatase 2 regulatory subunit Bbeta; minus strand). Cytogenetic location: 5q32.
Variant type: single nucleotide variant.
Coding change: c.1280T>C on transcript NM_181675.4 (MANE Select); coding-DNA position 1280, T replaced by C.
Protein change: p.Ile427Thr; replaces isoleucine 427 with threonine.
Molecular consequence: missense variant. On other transcripts: non-coding transcript variant (2).
Genome position (GRCh38, 1-based): chr5:146,589,999, A>G on the plus strand (T>C on the coding strand, the complement: PPP2R2B is on the minus strand). VCF-style: chr5-146589999-A-G. GRCh37 (hg19) VCF-style: chr5-145969562-A-G.
Other names: c.1280T>C, p.Ile427Thr (NM_001127381.1, NM_004576.2); c.1298T>C, p.Ile433Thr (NM_001271899.1); c.1454T>C, p.Ile485Thr (NM_001271900.2); c.1247T>C, p.Ile416Thr (NM_001271948.2, NM_181678.2); c.1478T>C, p.Ile493Thr (NM_181674.3); c.1289T>C, p.Ile430Thr (NM_181676.3); c.1220T>C, p.Ile407Thr (NM_181677.2); short protein forms I407T, I416T, I427T, I430T, I433T, I485T, I493T.
Identifiers: ClinVar variation 1711732 (VCV001711732.2), dbSNP rs2482678339, ClinGen allele CA361878817.